The following is an entry in ClinVar:

ClinVar aggregate classification (germline): Pathogenic (1 of 4 stars; one submission).

Submission:

CeGaT Center for Human Genetics Tuebingen
Classification: Pathogenic. Last evaluated: 2026-02-01. Review status: criteria provided, single submitter. Criteria: CeGaT Center For Human Genetics Tuebingen Variant Classification Criteria Version 2. Collection method: clinical testing. Allele origin: germline. Affected: yes. Observed: 3 variant alleles.
Comment: DOCK2: PVS1, PM2, PM3

NM_004946.3(DOCK2):c.1773dup (p.Leu592fs)

Gene: DOCK2 (dedicator of cytokinesis 2; plus strand). Cytogenetic location: 5q35.1.
Variant type: Duplication.
Coding change: c.1773dup on transcript NM_004946.3 (MANE Select); coding-DNA position 1773, one base duplicated (G; older notation c.1773dupG).
Protein change: p.Leu592fs; shifts the reading frame from leucine 592.
Molecular consequence: frameshift variant. On other transcripts: non-coding transcript variant (1).
Genome position (GRCh38, 1-based): chr5:169,714,141, G duplicated; the last of 6 consecutive G bases (chr5:169,714,136-169,714,141); duplicating any one gives the same sequence. VCF-style (leftmost placement, unchanged base first): chr5-169714135-T-TG. GRCh37 (hg19) VCF-style: chr5-169141139-T-TG.
Other names: short protein forms L592fs.
Identifiers: ClinVar variation 2578989 (VCV002578989.25), dbSNP rs2532625303, ClinGen allele CA2580617993.